The following is an entry in ClinVar:

ClinVar aggregate classification (germline): Uncertain significance (1 of 4 stars; one submission).

Submission:

Labcorp Genetics (formerly Invitae), Labcorp
Classification: Uncertain significance. Last evaluated: 2025-06-13. Review status: criteria provided, single submitter. Criteria: Invitae Variant Classification Sherloc (09022015). Collection method: clinical testing. Allele origin: germline.
Comment: This sequence change replaces proline, which is neutral and non-polar, with leucine, which is neutral and non-polar, at codon 33 of the TUBG1 protein (p.Pro33Leu). This variant is not present in population databases (gnomAD no frequency). This variant has not been reported in the literature in individuals affected with TUBG1-related conditions. Invitae Evidence Modeling of protein sequence and biophysical properties (such as structural, functional, and spatial information, amino acid conservation, physicochemical variation, residue mobility, and thermodynamic stability) indicates that this missense variant is not expected to disrupt TUBG1 protein function with a negative predictive value of 80%. In summary, the available evidence is currently insufficient to determine the role of this variant in disease. Therefore, it has been classified as a Variant of Uncertain Significance.

NM_001070.5(TUBG1):c.98C>T (p.Pro33Leu)

Gene: TUBG1 (tubulin gamma 1; plus strand). Cytogenetic location: 17q21.2.
Variant type: single nucleotide variant.
Coding change: c.98C>T on transcript NM_001070.5 (MANE Select); coding-DNA position 98, C replaced by T.
Protein change: p.Pro33Leu; replaces proline 33 with leucine.
Molecular consequence: missense variant.
Genome position (GRCh38, 1-based): chr17:42,610,156, C>T. VCF-style: chr17-42610156-C-T. GRCh37 (hg19) VCF-style: chr17-40762174-C-T.
Other names: short protein forms P33L.
Identifiers: ClinVar variation 4736769 (VCV004736769.1).